The following is an entry in ClinVar:

NM_005188.4(CBL):c.1532C>T (p.Ser511Leu)

Gene: CBL (Cbl proto-oncogene; plus strand). Cytogenetic location: 11q23.3.
Variant type: single nucleotide variant.
Coding change: c.1532C>T on transcript NM_005188.4 (MANE Select); coding-DNA position 1532, C replaced by T.
Protein change: p.Ser511Leu; replaces serine 511 with leucine.
Molecular consequence: missense variant.
Genome position (GRCh38, 1-based): chr11:119,285,069, C>T. VCF-style: chr11-119285069-C-T. GRCh37 (hg19) VCF-style: chr11-119155779-C-T.
Other names: short protein forms S511L.
Identifiers: ClinVar variation 3827816 (VCV003827816.1).
Genomic context (GRCh38, chr11:119,285,069, plus strand): 5'-CTTCCCTTCCCCCGGTGCCACCACGACTTGACCTTCTGCCGCAGCGAGTATGTGTTCCCT[C>T]AAGTGCTTCTGCTCTTGGAACTGCTTCTAAGGTAAAGCATTTTCCATTACTGCAGTTTTT-3'
Protein context (NP_005179.2, residues 501-521): DLLPQRVCVP[Ser511Leu]SASALGTASK

ClinVar aggregate classification (germline): Uncertain significance (1 of 4 stars; one submission).

Conditions:
Cardiovascular phenotype. Identifiers: MedGen CN230736.

Submission:

Ambry Genetics
Classification: Uncertain significance for Cardiovascular phenotype. Last evaluated: 2025-01-24. Review status: criteria provided, single submitter. Criteria: Ambry Variant Classification Scheme 2023. Collection method: clinical testing. Allele origin: germline.
Comment: The p.S511L variant (also known as c.1532C>T), located in coding exon 10 of the CBL gene, results from a C to T substitution at nucleotide position 1532. The serine at codon 511 is replaced by leucine, an amino acid with dissimilar properties. This amino acid position is conserved. In addition, this alteration is predicted to be tolerated by in silico analysis. Based on the available evidence, the clinical significance of this variant remains unclear.